The following is an entry in ClinVar:

NC_000016.10:g.(?_1485939)_(1511150_?)del

Genes: IFT140 (intraflagellar transport 140; minus strand), PTX4 (pentraxin 4; minus strand), TELO2 (telomere maintenance 2; plus strand). Cytogenetic location: 16p13.3.
Variant type: Deletion.
Identifiers: ClinVar variation 832809 (VCV000832809.7).

ClinVar aggregate classification (germline): Uncertain significance (1 of 4 stars; one submission).

Conditions:
Saldino-Mainzer syndrome (SRTD9). Also called: short-rib thoracic dysplasia 9 with or without polydactyly; SHORT-RIB THORACIC DYSPLASIA 9 WITHOUT POLYDACTYLY; CONORENAL SYNDROME; Renal dysplasia, retinal pigmentary dystrophy, cerebellar ataxia and skeletal dysplasia. Identifiers: Orphanet 140969, MedGen C1849437, MONDO:0009964, OMIM 266920.

Submission:

Labcorp Genetics (formerly Invitae), Labcorp
Classification: Uncertain significance for Saldino-Mainzer syndrome. Last evaluated: 2019-11-26. Review status: criteria provided, single submitter. Criteria: Invitae Variant Classification Sherloc (09022015). Collection method: clinical testing. Allele origin: germline.
Comment: In summary, the available evidence is currently insufficient to determine the role of this variant in disease. Therefore, it has been classified as a Variant of Uncertain Significance. This variant disrupts the C-terminus of the IFT140 protein. Other variant(s) that disrupt this region (p.Tyr1414Leufs*48) have been observed in individuals with IFT140-related conditions (PMID: 29688594). This suggests that this may be a clinically significant region of the protein. This variant has not been reported in the literature in individuals with IFT140-related conditions. This variant is a gross deletion of the genomic region encompassing exon 31 of the IFT140 gene. The 5' boundary is likely confined to intron 30. The 3' end of this event is unknown as it extends through the termination codon beyond the assayed region for this gene and may encompass additional genes. While this deletion is not anticipated to result in nonsense mediated decay, it is expected to create a truncated protein product or disrupt mRNA translation.

Literature cited by the submitters: PubMed 29688594.